The following is an entry in ClinVar:

NM_001848.3(COL6A1):c.61G>A (p.Asp21Asn)

Gene: COL6A1 (collagen type VI alpha 1 chain; plus strand). Cytogenetic location: 21q22.3.
Variant type: single nucleotide variant.
Coding change: c.61G>A on transcript NM_001848.3 (MANE Select); coding-DNA position 61, G replaced by A.
Protein change: p.Asp21Asn; replaces aspartic acid 21 with asparagine.
Molecular consequence: missense variant.
Genome position (GRCh38, 1-based): chr21:45,981,911, G>A. VCF-style: chr21-45981911-G-A. GRCh37 (hg19) VCF-style: chr21-47401825-G-A.
Other names: short protein forms D21N.
Identifiers: ClinVar variation 4705139 (VCV004705139.1).

ClinVar aggregate classification (germline): Uncertain significance (1 of 4 stars; one submission).

Conditions:
Bethlem myopathy 1A. Also called: MYOPATHY, BENIGN CONGENITAL, WITH CONTRACTURES; Bethlem myopathy 1; Bethlem Muscular Dystrophy. Identifiers: Orphanet 610, MedGen CN029274, MONDO:0024530, OMIM 158810.

gnomAD v4.1: 4 of 1,607,444 alleles (0.00025%); highest among the groups gnomAD compares: Non-Finnish European, 0.00034%; no homozygotes.

Submission:

Labcorp Genetics (formerly Invitae), Labcorp
Classification: Uncertain significance for Bethlem myopathy 1A. Last evaluated: 2025-07-20. Review status: criteria provided, single submitter. Criteria: Invitae Variant Classification Sherloc (09022015). Collection method: clinical testing. Allele origin: germline.
Comment: This sequence change replaces aspartic acid, which is acidic and polar, with asparagine, which is neutral and polar, at codon 21 of the COL6A1 protein (p.Asp21Asn). This variant is not present in population databases (gnomAD no frequency). This variant has not been reported in the literature in individuals affected with COL6A1-related conditions. Invitae Evidence Modeling of protein sequence and biophysical properties (such as structural, functional, and spatial information, amino acid conservation, physicochemical variation, residue mobility, and thermodynamic stability) indicates that this missense variant is not expected to disrupt COL6A1 protein function with a negative predictive value of 95%. In summary, the available evidence is currently insufficient to determine the role of this variant in disease. Therefore, it has been classified as a Variant of Uncertain Significance.